The following is an entry in ClinVar:

ClinVar aggregate classification (germline): Uncertain significance. Review status: criteria provided, multiple submitters, no conflicts (2 of 4 stars). 2 submissions from 2 submitters: Uncertain significance (2). Last evaluated 2023-08-27.

Conditions:
Bethlem myopathy 2 (BTHLM2). Identifiers: Orphanet 536516, Orphanet 610, MedGen C4225313, MONDO:0034022, OMIM 616471.
Ullrich congenital muscular dystrophy 2 (UCMD2). Identifiers: Orphanet 75840, MedGen C4225314, MONDO:0014654, OMIM 616470.

Allele frequency attached by ClinVar (database versions not stated): gnomAD exomes below 0.00001; gnomAD 0.00001; TOPMed 0.00002.
gnomAD v4.1: 4 of 1,612,192 alleles (0.00025%); highest among the groups gnomAD compares: African/African-American, 0.0027%; no homozygotes.

Submissions (2):

Labcorp Genetics (formerly Invitae), Labcorp
Classification: Uncertain significance for Bethlem myopathy 2; Ullrich congenital muscular dystrophy 2. Last evaluated: 2023-08-27. Review status: criteria provided, single submitter. Criteria: Invitae Variant Classification Sherloc (09022015). Collection method: clinical testing. Allele origin: germline.
Comment: In summary, the available evidence is currently insufficient to determine the role of this variant in disease. Therefore, it has been classified as a Variant of Uncertain Significance. This sequence change replaces valine, which is neutral and non-polar, with isoleucine, which is neutral and non-polar, at codon 333 of the COL12A1 protein (p.Val333Ile). This variant also falls at the last nucleotide of exon 8, which is part of the consensus splice site for this exon. This variant is present in population databases (no rsID available, gnomAD 0.007%). This variant has not been reported in the literature in individuals affected with COL12A1-related conditions. ClinVar contains an entry for this variant (Variation ID: 449985). An algorithm developed to predict the effect of missense changes on protein structure and function (PolyPhen-2) suggests that this variant is likely to be tolerated. Variants that disrupt the consensus splice site are a relatively common cause of aberrant splicing (PMID: 17576681, 9536098). Algorithms developed to predict the effect of sequence changes on RNA splicing suggest that this variant may create or strengthen a splice site.

GeneDx
Classification: Uncertain significance. Last evaluated: 2019-10-14. Review status: criteria provided, single submitter. Criteria: GeneDx Variant Classification Process June 2021. Collection method: clinical testing. Allele origin: germline. Affected: yes.
Comment: Not observed at a significant frequency in large population cohorts (Lek et al., 2016); In silico analysis, which includes protein predictors and evolutionary conservation, supports that this variant does not alter protein structure/function; Has not been previously published as pathogenic or benign to our knowledge

Literature cited by the submitters: PubMed 17576681 (cited by Labcorp Genetics (formerly Invitae), Labcorp); PubMed 9536098 (cited by Labcorp Genetics (formerly Invitae), Labcorp).

NM_004370.6(COL12A1):c.997G>A (p.Val333Ile)

Gene: COL12A1 (collagen type XII alpha 1 chain; minus strand). Cytogenetic location: 6q13.
Variant type: single nucleotide variant.
Coding change: c.997G>A on transcript NM_004370.6 (MANE Select); coding-DNA position 997, G replaced by A.
Protein change: p.Val333Ile; replaces valine 333 with isoleucine.
Molecular consequence: missense variant. On other transcripts: intron variant (1).
Genome position (GRCh38, 1-based): chr6:75,188,362, C>T on the plus strand (G>A on the coding strand, the complement: COL12A1 is on the minus strand). VCF-style: chr6-75188362-C-T. GRCh37 (hg19) VCF-style: chr6-75898078-C-T.
Other names: c.73+14358G>A (NM_080645.3); short protein forms V333I.
Identifiers: ClinVar variation 449985 (VCV000449985.8), dbSNP rs1426761655, ClinGen allele CA364727381.